The following is an entry in ClinVar:

ClinVar aggregate classification (germline): Uncertain significance (1 of 4 stars; one submission).

Allele frequency attached by ClinVar (database versions not stated): gnomAD exomes below 0.00001; TOPMed below 0.00001.
gnomAD v4.1: 1 of 1,612,810 alleles (0.000062%); highest among the groups gnomAD compares: Admixed American, 0.0017%; no homozygotes.

Submission:

Labcorp Genetics (formerly Invitae), Labcorp
Classification: Uncertain significance. Last evaluated: 2024-12-07. Review status: criteria provided, single submitter. Criteria: Invitae Variant Classification Sherloc (09022015). Collection method: clinical testing. Allele origin: germline.
Comment: This sequence change replaces glycine, which is neutral and non-polar, with arginine, which is basic and polar, at codon 661 of the GUCY2C protein (p.Gly661Arg). This variant is not present in population databases (gnomAD no frequency). This variant has not been reported in the literature in individuals affected with GUCY2C-related conditions. ClinVar contains an entry for this variant (Variation ID: 3011235). Invitae Evidence Modeling of protein sequence and biophysical properties (such as structural, functional, and spatial information, amino acid conservation, physicochemical variation, residue mobility, and thermodynamic stability) indicates that this missense variant is expected to disrupt GUCY2C protein function with a positive predictive value of 80%. In summary, the available evidence is currently insufficient to determine the role of this variant in disease. Therefore, it has been classified as a Variant of Uncertain Significance.

NM_004963.4(GUCY2C):c.1981G>A (p.Gly661Arg)

Gene: GUCY2C (guanylate cyclase 2C; minus strand). Cytogenetic location: 12p12.3.
Variant type: single nucleotide variant.
Coding change: c.1981G>A on transcript NM_004963.4 (MANE Select); coding-DNA position 1981, G replaced by A.
Protein change: p.Gly661Arg; replaces glycine 661 with arginine.
Molecular consequence: missense variant.
Genome position (GRCh38, 1-based): chr12:14,641,169, C>T on the plus strand (G>A on the coding strand, the complement: GUCY2C is on the minus strand). VCF-style: chr12-14641169-C-T. GRCh37 (hg19) VCF-style: chr12-14794103-C-T.
Other names: short protein forms G661R.
Identifiers: ClinVar variation 3011235 (VCV003011235.3), dbSNP rs1031904851, ClinGen allele CA233193262.